The following is an entry in ClinVar:

ClinVar aggregate classification (germline): Uncertain significance. Review status: criteria provided, multiple submitters, no conflicts (2 of 4 stars). 2 submissions from 2 submitters: Uncertain significance (2). Last evaluated 2026-07-29.

Conditions:
Hereditary nonpolyposis colorectal neoplasms. Identifiers: MedGen C0009405, MeSH D003123.
Hereditary cancer-predisposing syndrome. Also called: Neoplastic Syndromes, Hereditary; Hereditary Cancer Syndrome; Tumor predisposition; Hereditary neoplastic syndrome. Identifiers: Orphanet 140162, MedGen C0027672, MeSH D009386, MONDO:0015356.

Submissions (2):

Ambry Genetics
Classification: Uncertain significance for Hereditary cancer-predisposing syndrome. Last evaluated: 2026-07-29. Review status: criteria provided, single submitter. Criteria: Ambry Variant Classification Scheme 2023. Collection method: clinical testing. Allele origin: germline.
Comment: The p.E1123Q variant (also known as c.3367G>C), located in coding exon 5 of the MSH6 gene, results from a G to C substitution at nucleotide position 3367. The glutamic acid at codon 1123 is replaced by glutamine, an amino acid with highly similar properties. This amino acid position is not well conserved in available vertebrate species. In addition, this alteration is predicted to be tolerated by in silico analysis. Based on the available evidence, the clinical significance of this variant remains unclear.

Labcorp Genetics (formerly Invitae), Labcorp
Classification: Uncertain significance for Hereditary nonpolyposis colorectal neoplasms. Last evaluated: 2019-06-06. Review status: criteria provided, single submitter. Criteria: Invitae Variant Classification Sherloc (09022015). Collection method: clinical testing. Allele origin: germline.
Comment: In summary, the available evidence is currently insufficient to determine the role of this variant in disease. Therefore, it has been classified as a Variant of Uncertain Significance. Algorithms developed to predict the effect of missense changes on protein structure and function (SIFT, PolyPhen-2, Align-GVGD) all suggest that this variant is likely to be tolerated, but these predictions have not been confirmed by published functional studies and their clinical significance is uncertain. This variant has not been reported in the literature in individuals with MSH6-related conditions. This variant is not present in population databases (ExAC no frequency). This sequence change replaces glutamic acid with glutamine at codon 1123 of the MSH6 protein (p.Glu1123Gln). The glutamic acid residue is weakly conserved and there is a small physicochemical difference between glutamic acid and glutamine.

NM_000179.3(MSH6):c.3367G>C (p.Glu1123Gln)

Gene: MSH6 (mutS homolog 6; plus strand). Cytogenetic location: 2p16.3.
Variant type: single nucleotide variant.
Coding change: c.3367G>C on transcript NM_000179.3 (MANE Select); coding-DNA position 3367, G replaced by C.
Protein change: p.Glu1123Gln; replaces glutamic acid 1123 with glutamine.
Molecular consequence: missense variant.
Genome position (GRCh38, 1-based): chr2:47,803,614, G>C. VCF-style: chr2-47803614-G-C. GRCh37 (hg19) VCF-style: chr2-48030753-G-C.
Other names: c.2977G>C, p.Glu993Gln (NM_001281492.2); c.2461G>C, p.Glu821Gln (NM_001281493.2, NM_001281494.2); short protein forms E993Q, E1123Q, E821Q.
Identifiers: ClinVar variation 934927 (VCV000934927.11), dbSNP rs267608086, ClinGen allele CA346758792.